The following is an entry in ClinVar:

ClinVar aggregate classification (germline): Conflicting classifications of pathogenicity. Review status: criteria provided, conflicting classifications (1 of 4 stars). 3 submissions from 3 submitters: Uncertain significance (2); Benign (1). Last evaluated 2025-08-30.

Conditions:
Cardiovascular phenotype. Identifiers: MedGen CN230736.
Long QT syndrome (LQTS). Identifiers: MedGen C0023976, MeSH D008133, MONDO:0002442. Disease mechanism: loss of function. Inheritance: Various modes of inheritance.
Brugada syndrome 6 (BRGDA6). Identifiers: Orphanet 130, MedGen C2751089, MONDO:0013145, OMIM 613119.

Allele frequency attached by ClinVar (database versions not stated): TOPMed 0.00011; gnomAD 0.00012 and 0.00013; ExAC 0.00017; gnomAD exomes 0.00017; ESP Exome Variant Server 0.00023.
gnomAD v4.1: 200 of 1,614,068 alleles (0.012%); highest among the groups gnomAD compares: Middle Eastern, 0.16%; 1 homozygote.

Submissions (3):

Labcorp Genetics (formerly Invitae), Labcorp
Classification: Uncertain significance for Brugada syndrome 6. Last evaluated: 2025-08-30. Review status: criteria provided, single submitter. Criteria: Invitae Variant Classification Sherloc (09022015). Collection method: clinical testing. Allele origin: germline.
Comment: This sequence change replaces threonine, which is neutral and polar, with isoleucine, which is neutral and non-polar, at codon 9 of the KCNE3 protein (p.Thr9Ile). This variant is present in population databases (rs139040374, gnomAD 0.03%). This variant has not been reported in the literature in individuals affected with KCNE3-related conditions. ClinVar contains an entry for this variant (Variation ID: 264211). An algorithm developed to predict the effect of missense changes on protein structure and function (PolyPhen-2) suggests that this variant is likely to be tolerated. In summary, the available evidence is currently insufficient to determine the role of this variant in disease. Therefore, it has been classified as a Variant of Uncertain Significance.

Dept of Medical Biology, Uskudar University
Classification: Uncertain significance for Long QT syndrome. Last evaluated: 2024-01-08. Review status: criteria provided, single submitter. Criteria: Dept of Medical Biology Variant Classification. Collection method: research. Allele origin: maternal. Affected: yes. Observed: 1 variant allele.
Comment: Criteria: BS2

Ambry Genetics
Classification: Benign for Cardiovascular phenotype. Last evaluated: 2023-12-18. Review status: criteria provided, single submitter. Criteria: Ambry Variant Classification Scheme 2023. Collection method: clinical testing. Allele origin: germline.

NM_005472.5(KCNE3):c.26C>T (p.Thr9Ile)

Gene: KCNE3 (potassium voltage-gated channel subfamily E regulatory subunit 3; minus strand). Cytogenetic location: 11q13.4.
Variant type: single nucleotide variant.
Coding change: c.26C>T on transcript NM_005472.5 (MANE Select); coding-DNA position 26, C replaced by T.
Protein change: p.Thr9Ile; replaces threonine 9 with isoleucine.
Molecular consequence: missense variant.
Genome position (GRCh38, 1-based): chr11:74,457,538, G>A on the plus strand (C>T on the coding strand, the complement: KCNE3 is on the minus strand). VCF-style: chr11-74457538-G-A. GRCh37 (hg19) VCF-style: chr11-74168583-G-A.
Other names: short protein forms T9I.
Identifiers: ClinVar variation 264211 (VCV000264211.15), dbSNP rs139040374, ClinGen allele CA6184874.